The following is an entry in ClinVar:

ClinVar aggregate classification (germline): Benign/Likely benign. Review status: criteria provided, multiple submitters, no conflicts (2 of 4 stars). 8 submissions from 8 submitters: Benign (4); Likely benign (4). Last evaluated 2026-01-26.

Conditions:
Hereditary pancreatitis (PCTT). Also called: Hereditary chronic pancreatitis; PRSS1-Related Hereditary Pancreatitis. Identifiers: Orphanet 676, MedGen C0238339, MONDO:0008185, OMIM 167800.

Allele frequency attached by ClinVar (database versions not stated): ESP Exome Variant Server 0.00092; gnomAD 0.00131 and 0.00204; gnomAD exomes 0.00259 and 0.00356; ExAC 0.00373; 1000 Genomes Project 30x 0.00390; 1000 Genomes Project 0.00419.

Submissions (8):

Labcorp Genetics (formerly Invitae), Labcorp
Classification: Benign for Hereditary pancreatitis. Last evaluated: 2026-01-26. Review status: criteria provided, single submitter. Criteria: Invitae Variant Classification Sherloc (09022015). Collection method: clinical testing. Allele origin: germline.

ARUP Laboratories, Molecular Genetics and Genomics, ARUP Laboratories
Classification: Benign for Hereditary pancreatitis. Last evaluated: 2025-07-31. Review status: criteria provided, single submitter. Criteria: ARUP Molecular Germline Variant Investigation Process 2024. Collection method: clinical testing. Allele origin: germline.

Mayo Clinic Laboratories, Mayo Clinic
Classification: Benign. Last evaluated: 2025-01-13. Review status: criteria provided, single submitter. Criteria: ACMG Guidelines, 2015. Collection method: clinical testing. Allele origin: germline. Observed: 5 variant alleles.
Comment: BS1, BS2, BP4, BP7

Blueprint Genetics
Classification: Likely benign. Last evaluated: 2024-11-23. Review status: criteria provided, single submitter. Criteria: ACMG Guidelines, 2015. Collection method: clinical testing. Allele origin: germline.

KCCC/NGS Laboratory, Kuwait Cancer Control Center
Classification: Benign for Hereditary pancreatitis. Last evaluated: 2023-07-07. Review status: criteria provided, single submitter. Criteria: ACMG Guidelines, 2015. Collection method: clinical testing. Allele origin: germline. Affected: yes.

GeneDx
Classification: Likely benign. Last evaluated: 2020-08-04. Review status: criteria provided, single submitter. Criteria: GeneDx Variant Classification Process June 2021. Collection method: clinical testing. Allele origin: germline. Affected: yes.
Comment: This variant is associated with the following publications: (PMID: 27264265, 24458023, 28502372, 30134826)

Ambry Genetics
Classification: Likely benign for Hereditary pancreatitis. Last evaluated: 2015-09-14. Review status: criteria provided, single submitter. Criteria: Ambry Variant Classification Scheme 2023. Collection method: clinical testing. Allele origin: germline.

Breakthrough Genomics
Classification: Likely benign. Review status: criteria provided, single submitter. Criteria: ACMG Guidelines, 2015. Collection method: not provided. Allele origin: germline. Inheritance: Autosomal dominant inheritance. Affected: yes.

Literature cited by the submitters: PubMed 37581535 (cited by Mayo Clinic Laboratories, Mayo Clinic).

NM_002769.5(PRSS1):c.592-8C>T

Genes: PRSS1 (serine protease 1; plus strand), TRB (T cell receptor beta locus; plus strand). Cytogenetic location: 7q34.
Variant type: single nucleotide variant.
Coding change: c.592-8C>T on transcript NM_002769.5 (MANE Select); 8 bases into the intron before coding-DNA position 592, C replaced by T.
Molecular consequence: intron variant.
Genome position (GRCh38, 1-based): chr7:142,752,860, C>T. VCF-style: chr7-142752860-C-T. GRCh37 (hg19) VCF-style: chr7-142460711-C-T.
Other names: p.?.
Identifiers: ClinVar variation 416610 (VCV000416610.29), dbSNP rs200381474, ClinGen allele CA4530113.